The following is an entry in ClinVar:

ClinVar aggregate classification (germline): Likely pathogenic (1 of 4 stars; one submission).

Conditions:
Hereditary cancer-predisposing syndrome. Also called: Tumor predisposition; Hereditary Cancer Syndrome; Neoplastic Syndromes, Hereditary; Hereditary neoplastic syndrome. Identifiers: Orphanet 140162, MedGen C0027672, MeSH D009386, MONDO:0015356.

Submission:

Ambry Genetics
Classification: Likely pathogenic for Hereditary cancer-predisposing syndrome. Last evaluated: 2019-12-23. Review status: criteria provided, single submitter. Criteria: Ambry Variant Classification Scheme 2023. Collection method: clinical testing. Allele origin: germline.
Comment: The c.256_257insALU likely pathogenic variant results from an Alu element insertion located in coding exon 3 of the SDHB gene. Alu element insertions have been shown to contribute to pathogenicity by either disrupting a coding region or a splice signal (Belancio VP et al. Semin. Cancer Biol. 2010 Aug;20:200-10; Deininger P et al. Genome Biol. 2011 Dec;12:236). Based on the majority of available evidence to date, this variant is likely to be pathogenic.

NM_003000.2:c.256_257insALU

Gene: SDHB (succinate dehydrogenase complex iron sulfur subunit B; minus strand).
Variant type: Insertion.
Identifiers: ClinVar variation 1793102 (VCV001793102.2).